The following is an entry in ClinVar:

NM_007078.3(LDB3):c.1287C>T (p.Tyr429=)

Gene: LDB3 (LIM domain binding 3; plus strand). Cytogenetic location: 10q23.2.
Variant type: single nucleotide variant.
Coding change: c.1287C>T on transcript NM_007078.3 (MANE Select); coding-DNA position 1287, C replaced by T.
Protein change: p.Tyr429=; no amino-acid change (tyrosine 429 retained).
Molecular consequence: synonymous variant.
Genome position (GRCh38, 1-based): chr10:86,716,382, C>T. VCF-style: chr10-86716382-C-T. GRCh37 (hg19) VCF-style: chr10-88476139-C-T.
Other names: c.957C>T, p.Tyr319= (NM_001080114.2); c.1302C>T, p.Tyr434= (NM_001171610.2); c.1098C>T, p.Tyr366= (NM_001368064.1, NM_001368065.1); c.1146C>T, p.Tyr382= (NM_001368066.1).
Identifiers: ClinVar variation 2916639 (VCV002916639.4), dbSNP rs749776448, ClinGen allele CA5585112.

ClinVar aggregate classification (germline): Conflicting classifications of pathogenicity. Review status: criteria provided, conflicting classifications (1 of 4 stars). 2 submissions from 2 submitters: Uncertain significance (1); Likely benign (1). Last evaluated 2025-01-13.

Conditions:
Myofibrillar myopathy 4. Also called: Zaspopathy (type). Identifiers: Orphanet 98912, MedGen C4721886, MONDO:0012277, OMIM 609452.
Cardiovascular phenotype. Identifiers: MedGen CN230736.

Allele frequency attached by ClinVar (database versions not stated): TOPMed below 0.00001; ExAC 0.00001; gnomAD exomes 0.00002.

Submissions (2):

Ambry Genetics
Classification: Likely benign for Cardiovascular phenotype. Last evaluated: 2025-01-13. Review status: criteria provided, single submitter. Criteria: Ambry Variant Classification Scheme 2023. Collection method: clinical testing. Allele origin: germline.

Labcorp Genetics (formerly Invitae), Labcorp
Classification: Uncertain significance for Myofibrillar myopathy 4. Last evaluated: 2023-01-12. Review status: criteria provided, single submitter. Criteria: Invitae Variant Classification Sherloc (09022015). Collection method: clinical testing. Allele origin: germline.
Comment: In summary, the available evidence is currently insufficient to determine the role of this variant in disease. Therefore, it has been classified as a Variant of Uncertain Significance. Experimental studies and prediction algorithms are not available or were not evaluated, and the functional significance of this variant is currently unknown. This variant has not been reported in the literature in individuals affected with LDB3-related conditions. The frequency data for this variant in the population databases is considered unreliable, as metrics indicate poor data quality at this position in the gnomAD database. This sequence change affects codon 429 of the LDB3 mRNA. It is a 'silent' change, meaning that it does not change the encoded amino acid sequence of the LDB3 protein. The LDB3 gene has multiple clinically relevant transcripts. This variant occurs in alternate transcript NM_007078.3, and corresponds to NM_001080116.1:c.*17008C>T in the primary transcript.